The following is an entry in ClinVar:

NM_014425.5(INVS):c.1465G>T (p.Gly489Ter)

Gene: INVS (inversin; plus strand). Cytogenetic location: 9q31.1.
Variant type: single nucleotide variant.
Coding change: c.1465G>T on transcript NM_014425.5 (MANE Select); coding-DNA position 1465, G replaced by T.
Protein change: p.Gly489Ter; replaces glycine 489 with a stop codon.
Molecular consequence: nonsense. On other transcripts: non-coding transcript variant (1).
Genome position (GRCh38, 1-based): chr9:100,264,822, G>T. VCF-style: chr9-100264822-G-T. GRCh37 (hg19) VCF-style: chr9-103027104-G-T.
Other names: c.1177G>T, p.Gly393Ter (NM_001318381.2); c.487G>T, p.Gly163Ter (NM_001318382.2); short protein forms G163*, G393*, G489*.
Identifiers: ClinVar variation 2914947 (VCV002914947.3), dbSNP rs1292147160, ClinGen allele CA374236411.
Genomic context (GRCh38, chr9:100,264,822, plus strand): 5'-ATAACCACATATCCAAAAATACTTACTCCAGATGTACTTGATTTTTGTTTATGCTTATAG[G>T]GAAGAACAGCTTTGCATTGGTCCTGCAACAATGGATACCTTGATGCCATTAAATTACTGC-3'

ClinVar aggregate classification (germline): Pathogenic (1 of 4 stars; one submission).

Conditions:
Nephronophthisis. Also called: Juvenile Nephronophthisis. Identifiers: Orphanet 655, MedGen C0687120, MONDO:0019005, HP:0000090.

Allele frequency attached by ClinVar (database versions not stated): TOPMed 0.00001.
gnomAD v4.1: 19 of 1,607,898 alleles (0.0012%); highest among the groups gnomAD compares: Non-Finnish European, 0.0014%; no homozygotes.

Submission:

Labcorp Genetics (formerly Invitae), Labcorp
Classification: Pathogenic for Nephronophthisis. Last evaluated: 2024-07-10. Review status: criteria provided, single submitter. Criteria: Invitae Variant Classification Sherloc (09022015). Collection method: clinical testing. Allele origin: germline.
Comment: This sequence change creates a premature translational stop signal (p.Gly489*) in the INVS gene. It is expected to result in an absent or disrupted protein product. Loss-of-function variants in INVS are known to be pathogenic (PMID: 12872123). This variant is present in population databases (no rsID available, gnomAD 0.0009%). This variant has not been reported in the literature in individuals affected with INVS-related conditions. For these reasons, this variant has been classified as Pathogenic.

Literature cited by the submitters: PubMed 12872123.